The following is an entry in ClinVar:

NM_006230.4(POLD2):c.619G>A (p.Gly207Ser)

Gene: POLD2 (DNA polymerase delta 2, accessory subunit; minus strand). Cytogenetic location: 7p13.
Variant type: single nucleotide variant.
Coding change: c.619G>A on transcript NM_006230.4 (MANE Select); coding-DNA position 619, G replaced by A.
Protein change: p.Gly207Ser; replaces glycine 207 with serine.
Molecular consequence: missense variant.
Genome position (GRCh38, 1-based): chr7:44,116,978, C>T on the plus strand (G>A on the coding strand, the complement: POLD2 is on the minus strand). VCF-style: chr7-44116978-C-T. GRCh37 (hg19) VCF-style: chr7-44156577-C-T.
Other names: c.619G>A (NM_001127218.1); c.619G>A, p.Gly207Ser (NM_001127218.3, NM_001256879.2); short protein forms G207S.
Identifiers: ClinVar variation 2085297 (VCV002085297.5), dbSNP rs753623385, ClinGen allele CA4238778.

ClinVar aggregate classification (germline): Uncertain significance. Review status: criteria provided, multiple submitters, no conflicts (2 of 4 stars). 2 submissions from 2 submitters: Uncertain significance (2). Last evaluated 2026-01-26.

Allele frequency attached by ClinVar (database versions not stated): ExAC 0.00002; TOPMed 0.00002; gnomAD 0.00003.
gnomAD v4.1: 78 of 1,613,304 alleles (0.0048%); highest among the groups gnomAD compares: Non-Finnish European, 0.0063%; no homozygotes.

Submissions (2):

Labcorp Genetics (formerly Invitae), Labcorp
Classification: Uncertain significance. Last evaluated: 2026-01-26. Review status: criteria provided, single submitter. Criteria: Invitae Variant Classification Sherloc (09022015). Collection method: clinical testing. Allele origin: germline.
Comment: This sequence change replaces glycine, which is neutral and non-polar, with serine, which is neutral and polar, at codon 242 of the POLD2 protein (p.Gly242Ser). This variant is present in population databases (rs753623385, gnomAD 0.003%). This variant has not been reported in the literature in individuals affected with POLD2-related conditions. ClinVar contains an entry for this variant (Variation ID: 2085297). Experimental studies and prediction algorithms are not available or were not evaluated, and the functional significance of this variant is currently unknown. In summary, the available evidence is currently insufficient to determine the role of this variant in disease. Therefore, it has been classified as a Variant of Uncertain Significance.

Ambry Genetics
Classification: Uncertain significance. Last evaluated: 2024-10-01. Review status: criteria provided, single submitter. Criteria: Ambry Variant Classification Scheme 2023. Collection method: clinical testing. Allele origin: germline.